The following is an entry in ClinVar:

NM_001384732.1(CPLANE1):c.7555del (p.Ser2519fs)

Gene: CPLANE1 (ciliogenesis and planar polarity effector complex subunit 1; minus strand). Cytogenetic location: 5p13.2.
Variant type: Deletion.
Coding change: c.7555del on transcript NM_001384732.1 (MANE Select); coding-DNA position 7555, one base deleted (T; older notation c.7555delT).
Protein change: p.Ser2519fs; shifts the reading frame from serine 2519.
Molecular consequence: frameshift variant.
Genome position (GRCh38, 1-based): chr5:37,164,306, A deleted on the plus strand (T on the coding strand, the reverse complement: CPLANE1 is on the minus strand); the first of 2 consecutive A bases (chr5:37,164,306-37,164,307); deleting either gives the same sequence. VCF-style (leftmost placement, unchanged base first): chr5-37164305-GA-G. GRCh37 (hg19) VCF-style: chr5-37164407-GA-G.
Other names: c.7555del, p.Ser2519fs (NM_023073.4); c.7555delT (NM_023073.3); short protein forms S2519fs.
Identifiers: ClinVar variation 931447 (VCV000931447.3), dbSNP rs1777663813, ClinGen allele CA1139658805.

ClinVar aggregate classification (germline): Likely pathogenic (1 of 4 stars; one submission).

Submission:

Centre for Mendelian Genomics, University Medical Centre Ljubljana
Classification: Likely pathogenic. Last evaluated: 2019-05-07. Review status: criteria provided, single submitter. Criteria: ACMG Guidelines, 2015. Collection method: clinical testing. Allele origin: unknown. Affected: yes.
Comment: This variant was classified as: Likely pathogenic. The following ACMG criteria were applied in classifying this variant: PVS1,PM2.